The following is an entry in ClinVar:

ClinVar aggregate classification (germline): Conflicting classifications of pathogenicity. Review status: criteria provided, conflicting classifications (1 of 4 stars). 6 submissions from 6 submitters: Uncertain significance (2); Likely benign (3). 1 of the submissions does not count toward it. Last evaluated 2026-01-12.

Conditions:
Cardiovascular phenotype. Identifiers: MedGen CN230736.
EYA4-related disorder. Also called: EYA4-related condition; EYA4-related disorders. Identifiers: MedGen CN239388.
Autosomal dominant nonsyndromic hearing loss 10. Identifiers: Orphanet 90635, MedGen C1832476, MONDO:0011031, OMIM 601316.
Dilated cardiomyopathy 1J (CMD1J). Also called: CARDIOMYOPATHY, DILATED, WITH SENSORINEURAL HEARING LOSS, AUTOSOMAL DOMINANT. Identifiers: Orphanet 217622, MedGen C1854368, MONDO:0011541, OMIM 605362.

Allele frequency attached by ClinVar (database versions not stated): gnomAD exomes 0.00008; ExAC 0.00012; ESP Exome Variant Server 0.00023; gnomAD 0.00033 and 0.00034; TOPMed 0.00033; 1000 Genomes Project 30x 0.00078; 1000 Genomes Project 0.00100.
gnomAD v4.1: 77 of 1,609,764 alleles (0.0048%); highest among the groups gnomAD compares: African/African-American, 0.092%; no homozygotes.

Submissions (6):

Labcorp Genetics (formerly Invitae), Labcorp
Classification: Likely benign for Dilated cardiomyopathy 1J. Last evaluated: 2026-01-12. Review status: criteria provided, single submitter. Criteria: Invitae Variant Classification Sherloc (09022015). Collection method: clinical testing. Allele origin: germline.

Ambry Genetics
Classification: Uncertain significance for Cardiovascular phenotype. Last evaluated: 2025-08-28. Review status: criteria provided, single submitter. Criteria: Ambry Variant Classification Scheme 2023. Collection method: clinical testing. Allele origin: germline.

Women's Health and Genetics/Laboratory Corporation of America, LabCorp
Classification: Likely benign. Last evaluated: 2023-06-25. Review status: criteria provided, single submitter. Criteria: LabCorp Variant Classification Summary - May 2015. Collection method: clinical testing. Allele origin: germline.

GeneDx
Classification: Likely benign. Last evaluated: 2019-05-08. Review status: criteria provided, single submitter. Criteria: GeneDx Variant Classification Process June 2021. Collection method: clinical testing. Allele origin: germline. Affected: yes.
Comment: In silico analysis, which includes protein predictors and evolutionary conservation, supports that this variant does not alter protein structure/function

Center for Genomics, Ann and Robert H. Lurie Children's Hospital of Chicago
Classification: Uncertain significance for Dilated cardiomyopathy 1J; Autosomal dominant nonsyndromic hearing loss 10. Review status: criteria provided, single submitter. Criteria: ACMG Guidelines, 2015. Collection method: clinical testing. Allele origin: germline.
Comment: EYA4 NM_004100.4 exon 10 p.Thr250Asn (c.749C>A): This variant has not been reported in the literature and is present in 0.1% (27/24882) of African alleles in the Genome Aggregation Database. This variant is present in ClinVar (Variation ID:410661). Evolutionary conservation suggests that this variant may impact the protein, but computational predictive tools do not predict an impact. In summary, data on this variant is insufficient for disease classification. Therefore, the clinical significance of this variant is uncertain.

PreventionGenetics, part of Exact Sciences
Classification: Likely benign for EYA4-related condition. Last evaluated: 2022-03-14. Review status: no assertion criteria provided. Collection method: clinical testing. Allele origin: germline. Not counted in ClinVar's aggregate classification.
Comment: This variant is classified as likely benign based on ACMG/AMP sequence variant interpretation guidelines (Richards et al. 2015 PMID: 25741868, with internal and published modifications).

NM_004100.5(EYA4):c.749C>A (p.Thr250Asn)

Gene: EYA4 (EYA transcriptional coactivator and phosphatase 4; plus strand). Cytogenetic location: 6q23.2.
Variant type: single nucleotide variant.
Coding change: c.749C>A on transcript NM_004100.5 (MANE Select); coding-DNA position 749, C replaced by A.
Protein change: p.Thr250Asn; replaces threonine 250 with asparagine.
Molecular consequence: missense variant.
Genome position (GRCh38, 1-based): chr6:133,464,803, C>A. VCF-style: chr6-133464803-C-A. GRCh37 (hg19) VCF-style: chr6-133785941-C-A.
Other names: c.587C>A, p.Thr196Asn (NM_001301012.2, NM_001370459.1); c.749C>A, p.Thr250Asn (NM_001301013.2, NM_172105.4); c.680C>A, p.Thr227Asn (NM_001370458.1, NM_172103.4); short protein forms T250N, T196N, T227N.
Identifiers: ClinVar variation 410661 (VCV000410661.22), dbSNP rs143757415, ClinGen allele CA4008143.